The following is an entry in ClinVar:

NM_014425.5(INVS):c.1690del (p.Ala564fs)

Gene: INVS (inversin; plus strand). Cytogenetic location: 9q31.1.
Variant type: Deletion.
Coding change: c.1690del on transcript NM_014425.5 (MANE Select); coding-DNA position 1690, one base deleted (G; older notation c.1690delG).
Protein change: p.Ala564fs; shifts the reading frame from alanine 564.
Molecular consequence: frameshift variant. On other transcripts: non-coding transcript variant (1).
Genome position (GRCh38, 1-based): chr9:100,272,982, G deleted. VCF-style (leftmost placement, unchanged base first): chr9-100272981-AG-A. GRCh37 (hg19) VCF-style: chr9-103035263-AG-A.
Other names: c.1402del, p.Ala468fs (NM_001318381.2); c.712del, p.Ala238fs (NM_001318382.2); short protein forms A564fs, A468fs, A238fs.
Identifiers: ClinVar variation 2744962 (VCV002744962.3), dbSNP rs2490055816, ClinGen allele CA2697557916.

ClinVar aggregate classification (germline): Pathogenic (1 of 4 stars; one submission).

Conditions:
Nephronophthisis. Also called: Juvenile Nephronophthisis. Identifiers: Orphanet 655, MedGen C0687120, MONDO:0019005, HP:0000090.

Submission:

Labcorp Genetics (formerly Invitae), Labcorp
Classification: Pathogenic for Nephronophthisis. Last evaluated: 2023-07-19. Review status: criteria provided, single submitter. Criteria: Invitae Variant Classification Sherloc (09022015). Collection method: clinical testing. Allele origin: germline.
Comment: This variant is not present in population databases (gnomAD no frequency). For these reasons, this variant has been classified as Pathogenic. This variant has not been reported in the literature in individuals affected with INVS-related conditions. This sequence change creates a premature translational stop signal (p.Ala564Leufs*20) in the INVS gene. It is expected to result in an absent or disrupted protein product. Loss-of-function variants in INVS are known to be pathogenic (PMID: 12872123).

Literature cited by the submitters: PubMed 12872123.